The following is an entry in ClinVar:

NM_000257.4(MYH7):c.2856G>T (p.Arg952Ser)

Gene: MYH7 (myosin heavy chain 7; minus strand). Cytogenetic location: 14q11.2.
Variant type: single nucleotide variant.
Coding change: c.2856G>T on transcript NM_000257.4 (MANE Select); coding-DNA position 2856, G replaced by T.
Protein change: p.Arg952Ser; replaces arginine 952 with serine.
Molecular consequence: missense variant.
Genome position (GRCh38, 1-based): chr14:23,423,973, C>A on the plus strand (G>T on the coding strand, the complement: MYH7 is on the minus strand). VCF-style: chr14-23423973-C-A. GRCh37 (hg19) VCF-style: chr14-23893182-C-A.
Other names: c.2856G>T, p.Arg952Ser (NM_001407004.1); short protein forms R952S.
Identifiers: ClinVar variation 4807277 (VCV004807277.1).

ClinVar aggregate classification (germline): Uncertain significance (1 of 4 stars; one submission).

Conditions:
Hypertrophic cardiomyopathy. Also called: HYPERTROPHIC MYOCARDIOPATHY. Identifiers: Orphanet 217569, MedGen C0007194, MeSH D002312, MONDO:0005045, HP:0001639.

Submission:

Labcorp Genetics (formerly Invitae), Labcorp
Classification: Uncertain significance for Hypertrophic cardiomyopathy. Last evaluated: 2025-05-15. Review status: criteria provided, single submitter. Criteria: Invitae Variant Classification Sherloc (09022015). Collection method: clinical testing. Allele origin: germline.
Comment: This sequence change replaces arginine, which is basic and polar, with serine, which is neutral and polar, at codon 952 of the MYH7 protein (p.Arg952Ser). This variant is not present in population databases (gnomAD no frequency). This variant has not been reported in the literature in individuals affected with MYH7-related conditions. Invitae Evidence Modeling of protein sequence and biophysical properties (such as structural, functional, and spatial information, amino acid conservation, physicochemical variation, residue mobility, and thermodynamic stability) indicates that this missense variant is not expected to disrupt MYH7 protein function with a negative predictive value of 95%. In summary, the available evidence is currently insufficient to determine the role of this variant in disease. Therefore, it has been classified as a Variant of Uncertain Significance.